The following is an entry in ClinVar:

ClinVar aggregate classification (germline): Likely pathogenic (1 of 4 stars; one submission).

Conditions:
Adenine phosphoribosyltransferase deficiency (APRTD). Also called: APRT DEFICIENCY; NEPHROLITHIASIS, DHA; Urolithiasis, dha; 2,8-dihydroxyadenine urolithiasis. Identifiers: Orphanet 976, MedGen C0268120, MONDO:0013869, OMIM 614723.

gnomAD v4.1: 10 of 1,608,108 alleles (0.00062%); highest among the groups gnomAD compares: Admixed American, 0.0067%; no homozygotes.

Submission:

Rare Kidney Stone Consortium and the Mayo Clinic Hyperoxaluria Center, Mayo Clinic
Classification: Likely pathogenic for Adenine phosphoribosyltransferase deficiency. Last evaluated: 2025-10-03. Review status: criteria provided, single submitter. Criteria: ACMG Guidelines, 2015. Collection method: research. Allele origin: germline. Affected: yes. Observed: 1 variant allele.
Comment: ACMG:PM2, PM3, PP3, PP4

Literature cited by the submitters: PubMed 40794449.

NM_000485.3(APRT):c.401-21A>T

Gene: APRT (adenine phosphoribosyltransferase; minus strand). Cytogenetic location: 16q24.3.
Variant type: single nucleotide variant.
Coding change: c.401-21A>T on transcript NM_000485.3 (MANE Select); 21 bases into the intron before coding-DNA position 401, A replaced by T.
Molecular consequence: intron variant.
Genome position (GRCh38, 1-based): chr16:88,809,861, T>A on the plus strand (A>T on the coding strand, the complement: APRT is on the minus strand). VCF-style: chr16-88809861-T-A. GRCh37 (hg19) VCF-style: chr16-88876269-T-A.
Other names: c.401-155A>T (NM_001030018.2).
Identifiers: ClinVar variation 4526838 (VCV004526838.1).